The following is an entry in ClinVar:

ClinVar aggregate classification (germline): Uncertain significance (1 of 4 stars; one submission).

Allele frequency attached by ClinVar (database versions not stated): gnomAD exomes below 0.00001.

Submission:

Labcorp Genetics (formerly Invitae), Labcorp
Classification: Uncertain significance. Last evaluated: 2022-03-18. Review status: criteria provided, single submitter. Criteria: Invitae Variant Classification Sherloc (09022015). Collection method: clinical testing. Allele origin: germline.
Comment: Advanced modeling of protein sequence and biophysical properties (such as structural, functional, and spatial information, amino acid conservation, physicochemical variation, residue mobility, and thermodynamic stability) performed at Invitae indicates that this missense variant is not expected to disrupt TPP1 protein function. In summary, the available evidence is currently insufficient to determine the role of this variant in disease. Therefore, it has been classified as a Variant of Uncertain Significance. This sequence change replaces serine, which is neutral and polar, with glycine, which is neutral and non-polar, at codon 440 of the TPP1 protein (p.Ser440Gly). This variant is present in population databases (no rsID available, gnomAD 0.0009%). This variant has not been reported in the literature in individuals affected with TPP1-related conditions.

NM_000391.4(TPP1):c.1318A>G (p.Ser440Gly)

Gene: TPP1 (tripeptidyl peptidase 1; minus strand). Cytogenetic location: 11p15.4.
Variant type: single nucleotide variant.
Coding change: c.1318A>G on transcript NM_000391.4 (MANE Select); coding-DNA position 1318, A replaced by G.
Protein change: p.Ser440Gly; replaces serine 440 with glycine.
Molecular consequence: missense variant.
Genome position (GRCh38, 1-based): chr11:6,615,278, T>C on the plus strand (A>G on the coding strand, the complement: TPP1 is on the minus strand). VCF-style: chr11-6615278-T-C. GRCh37 (hg19) VCF-style: chr11-6636509-T-C.
Other names: short protein forms S440G.
Identifiers: ClinVar variation 1462292 (VCV001462292.6), dbSNP rs1360268502, ClinGen allele CA379472735.
Genomic context (GRCh38, chr11:6,615,278, plus strand): 5'-AGTAGCCATCAGAAAGTGCAGCCACATCTGGGTAGGCACGGCCACTGGCATTGAAGTAAC[T>C]GGATGGTGGCAGGTGGGGGCTAGAGCTCAGGAACTTCGTTACAGCTTCCTCCTGAAAGGC-3'
Protein context (NP_000382.3, residues 430-450): LSSSPHLPPS[Ser440Gly]YFNASGRAYP